The following is an entry in ClinVar:

NM_018706.7(DHTKD1):c.2465C>T (p.Ser822Phe)

Gene: DHTKD1 (dehydrogenase E1 and transketolase domain containing 1; plus strand). Cytogenetic location: 10p14.
Variant type: single nucleotide variant.
Coding change: c.2465C>T on transcript NM_018706.7 (MANE Select); coding-DNA position 2465, C replaced by T.
Protein change: p.Ser822Phe; replaces serine 822 with phenylalanine.
Molecular consequence: missense variant.
Genome position (GRCh38, 1-based): chr10:12,118,811, C>T. VCF-style: chr10-12118811-C-T. GRCh37 (hg19) VCF-style: chr10-12160810-C-T.
Other names: short protein forms S822F.
Identifiers: ClinVar variation 1481714 (VCV001481714.6), dbSNP rs768650459, ClinGen allele CA5408276.

ClinVar aggregate classification (germline): Uncertain significance (1 of 4 stars; one submission).

Conditions:
2-aminoadipic 2-oxoadipic aciduria (AAKAD). Also called: Aminoadipic aciduria; ALPHA-AMINOADIPIC AND ALPHA-KETOADIPIC ACIDURIA. Identifiers: Orphanet 79154, MedGen C1859817, MONDO:0008774, OMIM 204750.

Allele frequency attached by ClinVar (database versions not stated): gnomAD exomes below 0.00001; ExAC 0.00001; gnomAD 0.00001.
gnomAD v4.1: 4 of 1,608,158 alleles (0.00025%); highest among the groups gnomAD compares: East Asian, 0.0045%; no homozygotes.

Submission:

Labcorp Genetics (formerly Invitae), Labcorp
Classification: Uncertain significance for 2-aminoadipic 2-oxoadipic aciduria. Last evaluated: 2021-08-17. Review status: criteria provided, single submitter. Criteria: Invitae Variant Classification Sherloc (09022015). Collection method: clinical testing. Allele origin: germline.
Comment: In summary, the available evidence is currently insufficient to determine the role of this variant in disease. Therefore, it has been classified as a Variant of Uncertain Significance. Algorithms developed to predict the effect of missense changes on protein structure and function are either unavailable or do not agree on the potential impact of this missense change (SIFT: "Deleterious"; PolyPhen-2: "Benign"; Align-GVGD: "Class C0"). This sequence change replaces serine with phenylalanine at codon 822 of the DHTKD1 protein (p.Ser822Phe). The serine residue is moderately conserved and there is a large physicochemical difference between serine and phenylalanine. This variant is present in population databases (rs768650459, ExAC 0.01%). This variant has not been reported in the literature in individuals affected with DHTKD1-related conditions.